The following is an entry in ClinVar:

ClinVar aggregate classification (germline): Benign/Likely benign. Review status: criteria provided, multiple submitters, no conflicts (2 of 4 stars). 9 submissions from 8 submitters: Benign (7); Likely benign (2). Last evaluated 2026-01-26.

Conditions:
Dilated cardiomyopathy 1V (CMD1V). Identifiers: Orphanet 154, MedGen C3150958, MONDO:0013373, OMIM 613697.
Alzheimer disease 4 (AD4). Identifiers: Orphanet 1020, MedGen C1847200, MONDO:0011743, OMIM 606889.

Allele frequency attached by ClinVar (database versions not stated): gnomAD exomes 0.01176; ExAC 0.01298; gnomAD 0.02843 and 0.03044; 1000 Genomes Project 0.02915; 1000 Genomes Project 30x 0.03186; TOPMed 0.03207; ESP Exome Variant Server 0.03391.
gnomAD v4.1: 15,565 of 1,614,100 alleles (0.96%); highest among the groups gnomAD compares: African/African-American, 8.4%; 309 homozygotes.

Submissions (9):

Labcorp Genetics (formerly Invitae), Labcorp
Classification: Benign for Alzheimer disease 4. Last evaluated: 2026-01-26. Review status: criteria provided, single submitter. Criteria: Invitae Variant Classification Sherloc (09022015). Collection method: clinical testing. Allele origin: germline.

ARUP Laboratories, Molecular Genetics and Genomics, ARUP Laboratories
Classification: Benign. Last evaluated: 2025-02-07. Review status: criteria provided, single submitter. Criteria: ARUP Molecular Germline Variant Investigation Process 2024. Collection method: clinical testing. Allele origin: germline.

Mayo Clinic Laboratories, Mayo Clinic
Classification: Benign. Last evaluated: 2023-02-22. Review status: criteria provided, single submitter. Criteria: ACMG Guidelines, 2015. Collection method: clinical testing. Allele origin: germline. Observed: 12 variant alleles.
Comment: BA1

GeneDx
Classification: Benign. Last evaluated: 2018-09-23. Review status: criteria provided, single submitter. Criteria: GeneDx Variant Classification Process June 2021. Collection method: clinical testing. Allele origin: germline. Affected: yes.
Comment: This variant is associated with the following publications: (PMID: 31914229)

Illumina Laboratory Services, Illumina
Classification: Likely benign for Dilated cardiomyopathy 1V. Last evaluated: 2018-01-13. Review status: criteria provided, single submitter. Criteria: ICSL Variant Classification Criteria 13 December 2019. Collection method: clinical testing. Allele origin: germline.
Comment: This variant was observed in the ICSL laboratory as part of a predisposition screen in an ostensibly healthy population. It had not been previously curated by ICSL or reported in the Human Gene Mutation Database (HGMD: prior to June 1st, 2018), and was therefore a candidate for classification through an automated scoring system. Utilizing variant allele frequency, disease prevalence and penetrance estimates, and inheritance mode, an automated score was calculated to assess if this variant is too frequent to cause the disease. Based on the score and internal cut-off values, a variant classified as likely benign is not then subjected to further curation. The score for this variant resulted in a classification of likely benign for this disease.

Illumina Laboratory Services, Illumina
Classification: Benign for Alzheimer disease 4. Last evaluated: 2018-01-13. Review status: criteria provided, single submitter. Criteria: ICSL Variant Classification Criteria 13 December 2019. Collection method: clinical testing. Allele origin: germline.
Comment: This variant was observed in the ICSL laboratory as part of a predisposition screen in an ostensibly healthy population. It had not been previously curated by ICSL or reported in the Human Gene Mutation Database (HGMD: prior to June 1st, 2018), and was therefore a candidate for classification through an automated scoring system. Utilizing variant allele frequency, disease prevalence and penetrance estimates, and inheritance mode, an automated score was calculated to assess if this variant is too frequent to cause the disease. Based on the score and internal cut-off values, a variant classified as benign is not then subjected to further curation. The score for this variant resulted in a classification of benign for this disease.

Athena Diagnostics
Classification: Benign. Last evaluated: 2017-10-11. Review status: criteria provided, single submitter. Criteria: Athena Diagnostics Criteria. Collection method: clinical testing. Allele origin: germline.

Breakthrough Genomics
Classification: Likely benign. Review status: criteria provided, single submitter. Criteria: ACMG Guidelines, 2015. Collection method: not provided. Allele origin: germline. Inheritance: Autosomal dominant inheritance. Affected: yes.

PreventionGenetics, part of Exact Sciences
Classification: Benign. Review status: criteria provided, single submitter. Criteria: ACMG Guidelines, 2015. Collection method: clinical testing. Allele origin: germline.

Literature cited by the submitters: PubMed 14769392 (cited by Mayo Clinic Laboratories, Mayo Clinic); PubMed 31914229 (cited by Mayo Clinic Laboratories, Mayo Clinic); PubMed 9384602 (cited by Athena Diagnostics).

NM_000447.3(PSEN2):c.708T>C (p.Ser236=)

Gene: PSEN2 (presenilin 2; plus strand). Cytogenetic location: 1q42.13.
Variant type: single nucleotide variant.
Coding change: c.708T>C on transcript NM_000447.3 (MANE Select); coding-DNA position 708, T replaced by C.
Protein change: p.Ser236=; no amino-acid change (serine 236 retained).
Molecular consequence: synonymous variant.
Genome position (GRCh38, 1-based): chr1:226,888,970, T>C. VCF-style: chr1-226888970-T-C. GRCh37 (hg19) VCF-style: chr1-227076671-T-C.
Other names: p.Ser236=; c.708T>C, p.Ser236= (NM_012486.3).
Identifiers: ClinVar variation 256185 (VCV000256185.29), dbSNP rs61730652, ClinGen allele CA1424614.